The following is an entry in ClinVar:

NM_014679.5(CEP57):c.258G>C (p.Glu86Asp)

Gene: CEP57 (centrosomal protein 57; plus strand). Cytogenetic location: 11q21.
Variant type: single nucleotide variant.
Coding change: c.258G>C on transcript NM_014679.5 (MANE Select); coding-DNA position 258, G replaced by C.
Protein change: p.Glu86Asp; replaces glutamic acid 86 with aspartic acid.
Molecular consequence: missense variant.
Genome position (GRCh38, 1-based): chr11:95,812,987, G>C. VCF-style: chr11-95812987-G-C. GRCh37 (hg19) VCF-style: chr11-95546151-G-C.
Other names: c.231G>C, p.Glu77Asp (NM_001243776.2); c.258G>C, p.Glu86Asp (NM_001243777.2); c.177G>C, p.Glu59Asp (NM_001363604.2); short protein forms E77D, E86D, E59D.
Identifiers: ClinVar variation 847828 (VCV000847828.10), dbSNP rs912374722, ClinGen allele CA226628760.

ClinVar aggregate classification (germline): Uncertain significance. Review status: criteria provided, multiple submitters, no conflicts (2 of 4 stars). 2 submissions from 2 submitters: Uncertain significance (2). Last evaluated 2025-03-30.

Conditions:
Inborn genetic diseases. Identifiers: MedGen C0950123, MeSH D030342.
Mosaic variegated aneuploidy syndrome 2 (MVA2). Identifiers: Orphanet 1052, MedGen C3279843, MONDO:0013582, OMIM 614114.

Allele frequency attached by ClinVar (database versions not stated): gnomAD exomes below 0.00001 and 0.00001; TOPMed 0.00002.
gnomAD v4.1: 6 of 1,614,034 alleles (0.00037%); highest among the groups gnomAD compares: Admixed American, 0.0033%; no homozygotes.

Submissions (2):

Ambry Genetics
Classification: Uncertain significance for Inborn genetic diseases. Last evaluated: 2025-03-30. Review status: criteria provided, single submitter. Criteria: Ambry Variant Classification Scheme 2023. Collection method: clinical testing. Allele origin: germline.
Comment: The p.E86D variant (also known as c.258G>C), located in coding exon 3 of the CEP57 gene, results from a G to C substitution at nucleotide position 258. The glutamic acid at codon 86 is replaced by aspartic acid, an amino acid with highly similar properties. This amino acid position is conserved. In addition, the in silico prediction for this alteration is inconclusive. Based on the available evidence, the clinical significance of this variant remains unclear.

Labcorp Genetics (formerly Invitae), Labcorp
Classification: Uncertain significance for Mosaic variegated aneuploidy syndrome 2. Last evaluated: 2023-04-22. Review status: criteria provided, single submitter. Criteria: Invitae Variant Classification Sherloc (09022015). Collection method: clinical testing. Allele origin: germline.
Comment: This variant is present in population databases (no rsID available, gnomAD 0.006%). This sequence change replaces glutamic acid, which is acidic and polar, with aspartic acid, which is acidic and polar, at codon 86 of the CEP57 protein (p.Glu86Asp). This variant has not been reported in the literature in individuals affected with CEP57-related conditions. ClinVar contains an entry for this variant (Variation ID: 847828). Advanced modeling of protein sequence and biophysical properties (such as structural, functional, and spatial information, amino acid conservation, physicochemical variation, residue mobility, and thermodynamic stability) performed at Invitae indicates that this missense variant is not expected to disrupt CEP57 protein function. In summary, the available evidence is currently insufficient to determine the role of this variant in disease. Therefore, it has been classified as a Variant of Uncertain Significance.